The following is an entry in ClinVar:

ClinVar aggregate classification (germline): Pathogenic (1 of 4 stars; one submission).

Conditions:
Hereditary cancer-predisposing syndrome. Also called: Neoplastic Syndromes, Hereditary; Tumor predisposition; Hereditary neoplastic syndrome; Hereditary Cancer Syndrome. Identifiers: Orphanet 140162, MedGen C0027672, MeSH D009386, MONDO:0015356.

Submission:

Ambry Genetics
Classification: Pathogenic for Hereditary cancer-predisposing syndrome. Last evaluated: 2019-01-21. Review status: criteria provided, single submitter. Criteria: Ambry Variant Classification Scheme 2023. Collection method: clinical testing. Allele origin: germline.
Comment: The p.S1599* pathogenic mutation (also known as c.4796C>G), located in coding exon 31 of the ATM gene, results from a C to G substitution at nucleotide position 4796. This changes the amino acid from a serine to a stop codon within coding exon 31. This alteration is expected to result in loss of function by premature protein truncation or nonsense-mediated mRNA decay. As such, this alteration is interpreted as a disease-causing mutation.

NM_000051.4(ATM):c.4796C>G (p.Ser1599Ter)

Gene: ATM (ATM serine/threonine kinase; plus strand). Cytogenetic location: 11q22.3.
Variant type: single nucleotide variant.
Coding change: c.4796C>G on transcript NM_000051.4 (MANE Select); coding-DNA position 4796, C replaced by G.
Protein change: p.Ser1599Ter; replaces serine 1599 with a stop codon.
Molecular consequence: nonsense.
Genome position (GRCh38, 1-based): chr11:108,294,946, C>G. VCF-style: chr11-108294946-C-G. GRCh37 (hg19) VCF-style: chr11-108165673-C-G.
Other names: c.4796C>G, p.Ser1599Ter (NM_001351834.2); short protein forms S1599*.
Identifiers: ClinVar variation 825178 (VCV000825178.4), dbSNP rs1591684337, ClinGen allele CA382536350.